The following is an entry in ClinVar:

ClinVar aggregate classification (germline): Uncertain significance (1 of 4 stars; one submission).

Conditions:
Congenital myasthenic syndrome 2A. Also called: Myasthenic syndrome, congenital, 2a, slow-channel. Identifiers: Orphanet 590, MedGen C4225374, MONDO:0014581, OMIM 616313.

Submission:

Labcorp Genetics (formerly Invitae), Labcorp
Classification: Uncertain significance for Congenital myasthenic syndrome 2A. Last evaluated: 2022-08-15. Review status: criteria provided, single submitter. Criteria: Invitae Variant Classification Sherloc (09022015). Collection method: clinical testing. Allele origin: germline.
Comment: This sequence change replaces histidine, which is basic and polar, with proline, which is neutral and non-polar, at codon 198 of the CHRNB1 protein (p.His198Pro). This variant is not present in population databases (gnomAD no frequency). This variant has not been reported in the literature in individuals affected with CHRNB1-related conditions. Algorithms developed to predict the effect of missense changes on protein structure and function (SIFT, PolyPhen-2, Align-GVGD) all suggest that this variant is likely to be tolerated. In summary, the available evidence is currently insufficient to determine the role of this variant in disease. Therefore, it has been classified as a Variant of Uncertain Significance.

NM_000747.3(CHRNB1):c.593A>C (p.His198Pro)

Gene: CHRNB1 (cholinergic receptor nicotinic beta 1 subunit; plus strand). Cytogenetic location: 17p13.1.
Variant type: single nucleotide variant.
Coding change: c.593A>C on transcript NM_000747.3 (MANE Select); coding-DNA position 593, A replaced by C.
Protein change: p.His198Pro; replaces histidine 198 with proline.
Molecular consequence: missense variant.
Genome position (GRCh38, 1-based): chr17:7,447,633, A>C. VCF-style: chr17-7447633-A-C. GRCh37 (hg19) VCF-style: chr17-7350952-A-C.
Other names: short protein forms H198P.
Identifiers: ClinVar variation 1973849 (VCV001973849.5), dbSNP rs76251791, ClinGen allele CA287424842.
Genomic context (GRCh38, chr17:7,447,633, plus strand): 5'-AGGTCAGCCTGCAGACAGGCCTGGGTCCTGACGGGCAAGGGCATCAGGAAATCCACATTC[A>C]TGAAGGGACTTTCATTGGTGAGTAGGCATGGCTCCTACATCCATGGGCTCTATCATTTCC-3'
Protein context (NP_000738.2, residues 188-208): DGQGHQEIHI[His198Pro]EGTFIENGQW